The following is an entry in ClinVar:

ClinVar aggregate classification (germline): Pathogenic/Likely pathogenic. Review status: criteria provided, multiple submitters, no conflicts (2 of 4 stars). 15 submissions from 12 submitters: Pathogenic (10); Likely pathogenic (1). 4 of the submissions do not count toward it. Last evaluated 2026-01-19.

Conditions:
Retinitis pigmentosa (RP). Identifiers: Orphanet 791, MedGen C0035334, MeSH D012174, MONDO:0019200, OMIM 268000. Inheritance: Autosomal dominant, autosomal recessive and X linked inheritance.
PRPH2-related disorder. Also called: PRPH2-related disorders; PRPH2-related condition. Identifiers: MedGen CN239395.
Vitelliform macular dystrophy 3 (VMD3). Also called: PRPH2 vitelliform macular dystrophy; vitelliform macular dystrophy caused by mutation in PRPH2. Identifiers: MedGen CN295869, MONDO:0024561, OMIM 608161.
Retinitis pigmentosa 7 (RP7). Identifiers: Orphanet 791, MedGen C1842475, MONDO:0011974, OMIM 608133.
Pigmentary retinal dystrophy. Also called: Fundus albipunctatus. Identifiers: Orphanet 227796, Orphanet 52427, MedGen C0311338, MONDO:0007639, OMIM 136880, HP:0030642.
Patterned macular dystrophy 1. Also called: BUTTERFLY DYSTROPHY OF RETINAL PIGMENT EPITHELIUM; MACULAR DYSTROPHY, BUTTERFLY-SHAPED PIGMENTARY. Identifiers: Orphanet 99001, MedGen C4551999, MONDO:0008210, OMIM 169150.
Choroidal dystrophy, central areolar 2 (CACD2). Also called: MACULAR DYSTROPHY, PROGRESSIVE; Choriodal Dystrophy, Central Areolar 2. Identifiers: Orphanet 75377, MedGen C2751290, MONDO:0013137, OMIM 613105.
Patterned dystrophy of the retinal pigment epithelium (MDPT1). Identifiers: Orphanet 63454, MedGen C1868569, MONDO:0018973.
Cone-rod dystrophy. Also called: Cone-rod degeneration; Cone/cone-rod dystrophy. Identifiers: Orphanet 1872, MedGen C4085590, MONDO:0015993, HP:0000548.
Retinal dystrophy. Also called: Inherited retinal dystrophy. Identifiers: Orphanet 71862, MedGen C0854723, MeSH D058499, MONDO:0019118, HP:0000556.
Autosomal recessive bestrophinopathy. Also called: Autosomal Recessive Bestrophinopathy (ARB). Identifiers: Orphanet 139455, MedGen C3888198, MONDO:0012733, OMIM 611809.
Stargardt disease (FFM). Also called: Stargardt's disease; Fundus flavimaculatus. Identifiers: Orphanet 827, MedGen C0271093, MONDO:0019353.

Allele frequency attached by ClinVar (database versions not stated): gnomAD exomes below 0.00001; TOPMed 0.00001.
gnomAD v4.1: 1 of 1,614,174 alleles (0.000062%); highest among the groups gnomAD compares: Non-Finnish European, 0.000085%; no homozygotes.

Submissions (15):

Labcorp Genetics (formerly Invitae), Labcorp
Classification: Pathogenic for PRPH2-related disorder. Last evaluated: 2026-01-19. Review status: criteria provided, single submitter. Criteria: Invitae Variant Classification Sherloc (09022015). Collection method: clinical testing. Allele origin: germline.
Comment: This sequence change replaces tyrosine, which is neutral and polar, with cysteine, which is neutral and slightly polar, at codon 141 of the PRPH2 protein (p.Tyr141Cys). This variant is not present in population databases (gnomAD no frequency). This missense change has been observed in individuals with autosomal dominant retinitis pigmentosa or pattern dystrophy (PMID: 16113362, 16799052, 25082885, 25097241). It has also been observed to segregate with disease in related individuals. ClinVar contains an entry for this variant (Variation ID: 98666). Invitae Evidence Modeling of protein sequence and biophysical properties (such as structural, functional, and spatial information, amino acid conservation, physicochemical variation, residue mobility, and thermodynamic stability) indicates that this missense variant is expected to disrupt PRPH2 protein function with a positive predictive value of 95%. Experimental studies have shown that this missense change affects PRPH2 function (PMID: 25001182). For these reasons, this variant has been classified as Pathogenic.

GeneDx
Classification: Pathogenic. Last evaluated: 2025-10-16. Review status: criteria provided, single submitter. Criteria: GeneDx Variant Classification Process June 2021. Collection method: clinical testing. Allele origin: germline. Affected: yes.
Comment: Published functional studies demonstrate a damaging effect (alteration of PRPH2 protein complex formation) (PMID: 25001182); Not observed at significant frequency in large population cohorts (gnomAD); In silico analysis supports that this missense variant has a deleterious effect on protein structure/function; This variant is associated with the following publications: (PMID: 15370544, 22466463, 25097241, 11139241, 28053051, 29961824, 28559085, 32531846, 16799052, 16113362, 34411390, 25001182, 25082885, 12882809, 38219857, 38743414)

Blueprint Genetics
Classification: Pathogenic for PRPH2-related disorders. Last evaluated: 2024-06-07. Review status: criteria provided, single submitter. Criteria: ACMG Guidelines, 2015. Collection method: clinical testing. Allele origin: germline. Affected: yes. Observed: 5 variant alleles.

Fulgent Genetics
Classification: Pathogenic for Pigmentary retinal dystrophy; Patterned macular dystrophy 1; Retinitis pigmentosa 7; Vitelliform macular dystrophy 3; Choroidal dystrophy, central areolar 2. Last evaluated: 2024-03-21. Review status: criteria provided, single submitter. Criteria: ACMG Guidelines, 2015. Collection method: clinical testing. Allele origin: germline.

Broad Center for Mendelian Genomics, Broad Institute of MIT and Harvard
Classification: Pathogenic for Retinitis pigmentosa. Last evaluated: 2021-04-01. Review status: criteria provided, single submitter. Criteria: ACMG Guidelines, 2015. Collection method: curation. Allele origin: germline. Inheritance: Autosomal dominant inheritance. Affected: yes.
Comment: Through a review of available evidence we were able to apply the following criteria: PM2, PP3, PS3, PP1, PS4. Based on this evidence we have classified this variant as Pathogenic. If you have any questions about the classification please reach out to the Pierce Lab.

Institute of Medical Molecular Genetics, University of Zurich
Classification: Likely pathogenic for Autosomal recessive bestrophinopathy. Last evaluated: 2021-01-30. Review status: criteria provided, single submitter. Criteria: ACMG Guidelines, 2015. Collection method: clinical testing. Allele origin: germline. Affected: yes.

NEI Ophthalmic Genomics Laboratory, National Institutes of Health
Classification: Pathogenic for Stargardt disease. Last evaluated: 2020-01-07. Review status: criteria provided, single submitter. Criteria: ACMG Guidelines, 2015. Collection method: clinical testing. Allele origin: germline. Affected: yes.
Comment: The variant NM_000322.4:c.422A>G in the PRPH2 gene has been previously studied (PMIDs 11139241,15370544, 22466463, 25082885, 25001182, 25097241, 28559085). We found this variant in 14 patient(s) in a PRPH2 cohort study (Reeves et al. 2020). This variant is listed in dbSNP and/or HGMD (rs61755781,CM010125). It is absent in gnomAD browser. It is enriched in the PRPH2 disease cohort. We invoked ACMG criteria [PS3, PS4, PM1, PM2, PP3, PP5, PP1-S] and classified NM_000322.4:c.422A>G in the PRPH2 gene as a Pathogenic mutation.

NEI Ophthalmic Genomics Laboratory, National Institutes of Health
Classification: Pathogenic for Patterned dystrophy of the retinal pigment epithelium. Last evaluated: 2020-01-07. Review status: criteria provided, single submitter. Criteria: ACMG Guidelines, 2015. Collection method: clinical testing. Allele origin: germline. Affected: yes.
Comment: The variant NM_000322.4:c.422A>G in the PRPH2 gene has been previously studied (PMIDs 11139241, 15370544, 22466463, 25082885, 25001182, 25097241, 28559085). We found this variant in 14 patient(s) in a PRPH2 cohort study (Reeves et al. 2020). This variant is listed in dbSNP and/or HGMD (rs61755781,CM010125). It is absent in gnomAD browser. It is enriched in the PRPH2 disease cohort. We invoked ACMG criteria [PS3, PS4, PM1, PM2, PP3, PP5, PP1-S] and classified NM_000322.4:c.422A>G in the PRPH2 gene as a Pathogenic mutation.

NEI Ophthalmic Genomics Laboratory, National Institutes of Health
Classification: Pathogenic for Cone-rod dystrophy. Last evaluated: 2020-01-07. Review status: criteria provided, single submitter. Criteria: ACMG Guidelines, 2015. Collection method: clinical testing. Allele origin: germline. Affected: yes.
Comment: the same text as in the submission from NEI Ophthalmic Genomics Laboratory, National Institutes of Health above.

Eurofins Ntd Llc (ga)
Classification: Pathogenic. Last evaluated: 2017-05-22. Review status: criteria provided, single submitter. Criteria: EGL Classification Definitions 2015. Collection method: clinical testing. Allele origin: germline. Observed: 1 variant allele, 1 heterozygote.

Institute of Human Genetics, Univ. Regensburg, Univ. Regensburg
Classification: Pathogenic for Retinal dystrophy. Last evaluated: 2009-01-01. Review status: criteria provided, single submitter. Criteria: ACMG Guidelines, 2015. Collection method: clinical testing. Allele origin: germline. Affected: yes.

Leiden Open Variation Database
Classification: Pathogenic. Last evaluated: 2021-06-25. Review status: no assertion criteria provided. Collection method: curation. Allele origin: germline. Affected: yes. Not counted in ClinVar's aggregate classification.
Comment: Curator: Global Variome, with Curator vacancy. Submitters to LOVD: Julia Lopez, LOVD, Manon Peeters.

OMIM
Classification: Pathogenic for MACULAR DYSTROPHY, VITELLIFORM, 3. Last evaluated: 2014-12-01. Review status: no assertion criteria provided. Collection method: literature only. Allele origin: germline. Not counted in ClinVar's aggregate classification.

OMIM
Classification: Pathogenic for MACULAR DYSTROPHY, PATTERNED, 1. Last evaluated: 2014-12-01. Review status: no assertion criteria provided. Collection method: literature only. Allele origin: germline. Not counted in ClinVar's aggregate classification.

Retina International
No classification provided. Review status: no classification provided. Collection method: not provided. Allele origin: unknown. Not counted in ClinVar's aggregate classification.

Literature cited by the submitters: PubMed 16113362 (cited by 3 submitters); PubMed 16799052 (cited by 3 submitters); PubMed 25082885 (cited by 4 submitters); PubMed 25097241 (cited by 4 submitters); PubMed 25001182 (cited by 4 submitters); PubMed 34906470 (cited by Broad Center for Mendelian Genomics, Broad Institute of MIT and Harvard); PubMed 15370544 (cited by 4 submitters); PubMed 22466463 (cited by 4 submitters); PubMed 11139241 (cited by Institute of Human Genetics, Univ. Regensburg, Univ. Regensburg and Leiden Open Variation Database); PubMed 28053051 (cited by Institute of Human Genetics, Univ. Regensburg, Univ. Regensburg); PubMed 28559085 (cited by Institute of Human Genetics, Univ. Regensburg, Univ. Regensburg and Leiden Open Variation Database); PubMed 32531846 (cited by Institute of Human Genetics, Univ. Regensburg, Univ. Regensburg and Leiden Open Variation Database); PubMed 34411390 (cited by Institute of Human Genetics, Univ. Regensburg, Univ. Regensburg).

NM_000322.5(PRPH2):c.422A>G (p.Tyr141Cys)

Gene: PRPH2 (peripherin 2; minus strand). Cytogenetic location: 6p21.1.
Variant type: single nucleotide variant.
Coding change: c.422A>G on transcript NM_000322.5 (MANE Select); coding-DNA position 422, A replaced by G.
Protein change: p.Tyr141Cys; replaces tyrosine 141 with cysteine.
Molecular consequence: missense variant.
Genome position (GRCh38, 1-based): chr6:42,721,913, T>C on the plus strand (A>G on the coding strand, the complement: PRPH2 is on the minus strand). VCF-style: chr6-42721913-T-C. GRCh37 (hg19) VCF-style: chr6-42689651-T-C.
Other names: short protein forms Y141C.
Identifiers: ClinVar variation 98666 (VCV000098666.27), dbSNP rs61755781, ClinGen allele CA185988.